The following is an entry in ClinVar:

ClinVar aggregate classification (germline): Uncertain significance. Review status: criteria provided, multiple submitters, no conflicts (2 of 4 stars). 2 submissions from 2 submitters: Uncertain significance (2). Last evaluated 2022-07-07.

Conditions:
Muscular dystrophy-dystroglycanopathy (congenital with brain and eye anomalies), type A, 7. Also called: WALKER-WARBURG SYNDROME OR MUSCLE-EYE-BRAIN DISEASE, ISPD-RELATED; Congenital muscular dystrophy-dystroglycanopathy with brain and eye anomalies, type A7. Identifiers: Orphanet 899, MedGen C3553330, MONDO:0013835, OMIM 614643.
Autosomal recessive limb-girdle muscular dystrophy type 2U. Also called: Muscular dystrophy-dystroglycanopathy (limb-girdle), type c, 7; MUSCULAR DYSTROPHY, LIMB-GIRDLE, TYPE 2U. Identifiers: Orphanet 352479, MedGen C5190987, MONDO:0014474, OMIM 616052.

Allele frequency attached by ClinVar (database versions not stated): gnomAD exomes below 0.00001; gnomAD 0.00002 and 0.00003; TOPMed 0.00002.
gnomAD v4.1: 5 of 1,612,630 alleles (0.00031%); highest among the groups gnomAD compares: African/African-American, 0.0053%; no homozygotes.

Submissions (2):

Athena Diagnostics
Classification: Uncertain significance. Last evaluated: 2022-07-07. Review status: criteria provided, single submitter. Criteria: Athena Diagnostics Criteria. Collection method: clinical testing. Allele origin: unknown.

Labcorp Genetics (formerly Invitae), Labcorp
Classification: Uncertain significance for Muscular dystrophy-dystroglycanopathy (congenital with brain and eye anomalies), type A, 7; Autosomal recessive limb-girdle muscular dystrophy type 2U. Last evaluated: 2021-09-01. Review status: criteria provided, single submitter. Criteria: Invitae Variant Classification Sherloc (09022015). Collection method: clinical testing. Allele origin: germline.
Comment: This sequence change replaces isoleucine with threonine at codon 276 of the ISPD protein (p.Ile276Thr). The isoleucine residue is moderately conserved and there is a moderate physicochemical difference between isoleucine and threonine. This variant is not present in population databases (ExAC no frequency). This variant has not been reported in the literature in individuals affected with ISPD-related conditions. Algorithms developed to predict the effect of missense changes on protein structure and function are either unavailable or do not agree on the potential impact of this missense change (SIFT: "Deleterious"; PolyPhen-2: "Benign"; Align-GVGD: "Class C0"). In summary, the available evidence is currently insufficient to determine the role of this variant in disease. Therefore, it has been classified as a Variant of Uncertain Significance.

NM_001101426.4(CRPPA):c.827T>C (p.Ile276Thr)

Gene: CRPPA (CDP-L-ribitol pyrophosphorylase A; minus strand). Cytogenetic location: 7p21.2.
Variant type: single nucleotide variant.
Coding change: c.827T>C on transcript NM_001101426.4 (MANE Select); coding-DNA position 827, T replaced by C.
Protein change: p.Ile276Thr; replaces isoleucine 276 with threonine.
Molecular consequence: missense variant.
Genome position (GRCh38, 1-based): chr7:16,301,429, A>G on the plus strand (T>C on the coding strand, the complement: CRPPA is on the minus strand). VCF-style: chr7-16301429-A-G. GRCh37 (hg19) VCF-style: chr7-16341054-A-G.
Other names: c.677T>C, p.Ile226Thr (NM_001101417.4); c.722T>C, p.Ile241Thr (NM_001368197.1); short protein forms I241T, I276T, I226T.
Identifiers: ClinVar variation 1680765 (VCV001680765.6), dbSNP rs1314571093, ClinGen allele CA367001460.